The following is an entry in ClinVar:

NM_003119.4(SPG7):c.5C>T (p.Ala2Val)

Genes: SPG7 (SPG7 matrix AAA peptidase subunit, paraplegin; plus strand), LOC130059818 (ATAC-STARR-seq lymphoblastoid silent region 7911; plus strand). Cytogenetic location: 16q24.3.
Variant type: single nucleotide variant.
Coding change: c.5C>T on transcript NM_003119.4 (MANE Select); coding-DNA position 5, C replaced by T.
Protein change: p.Ala2Val; replaces alanine 2 with valine.
Molecular consequence: missense variant.
Genome position (GRCh38, 1-based): chr16:89,508,422, C>T. VCF-style: chr16-89508422-C-T. GRCh37 (hg19) VCF-style: chr16-89574830-C-T.
Other names: c.5C>T, p.Ala2Val (NM_001363850.1, NM_199367.3); c.5C>T (NM_003119.2); short protein forms A2V.
Identifiers: ClinVar variation 3605247 (VCV003605247.3).

ClinVar aggregate classification (germline): Uncertain significance. Review status: criteria provided, multiple submitters, no conflicts (2 of 4 stars). 2 submissions from 2 submitters: Uncertain significance (2). Last evaluated 2025-10-24.

Conditions:
Hereditary spastic paraplegia 7 (SPG7). Also called: SPASTIC PARAPLEGIA 7, AUTOSOMAL RECESSIVE, WITH OR WITHOUT CEREBELLAR ATAXIA; SPG7-related neurologic disorder; Spastic paraplegia 7; Hereditary spastic paraplegia Paraplegin type; Autosomal recessive spastic paraplegia type 7. Identifiers: Orphanet 99013, MedGen C1846564, MONDO:0011803, OMIM 607259.
Inborn genetic diseases. Identifiers: MedGen C0950123, MeSH D030342.

gnomAD v4.1: 4 of 1,490,178 alleles (0.00027%); highest among the groups gnomAD compares: South Asian, 0.0025%; no homozygotes.

Submissions (2):

Ambry Genetics
Classification: Uncertain significance for Inborn genetic diseases. Last evaluated: 2025-10-24. Review status: criteria provided, single submitter. Criteria: Ambry Variant Classification Scheme 2023. Collection method: clinical testing. Allele origin: germline.

Labcorp Genetics (formerly Invitae), Labcorp
Classification: Uncertain significance for Hereditary spastic paraplegia 7. Last evaluated: 2024-10-10. Review status: criteria provided, single submitter. Criteria: Invitae Variant Classification Sherloc (09022015). Collection method: clinical testing. Allele origin: germline.
Comment: This sequence change replaces alanine, which is neutral and non-polar, with valine, which is neutral and non-polar, at codon 2 of the SPG7 protein (p.Ala2Val). This variant is not present in population databases (gnomAD no frequency). This variant has not been reported in the literature in individuals affected with SPG7-related conditions. Invitae Evidence Modeling of protein sequence and biophysical properties (such as structural, functional, and spatial information, amino acid conservation, physicochemical variation, residue mobility, and thermodynamic stability) indicates that this missense variant is not expected to disrupt SPG7 protein function with a negative predictive value of 95%. In summary, the available evidence is currently insufficient to determine the role of this variant in disease. Therefore, it has been classified as a Variant of Uncertain Significance.